The following is an entry in ClinVar:

ClinVar aggregate classification (germline): Pathogenic (1 of 4 stars; one submission).

Conditions:
Neurofibromatosis, type 1 (NF1). Also called: NEUROFIBROMATOSIS, TYPE I, SOMATIC; Neurofibromatosis, type I; Peripheral type neurofibromatosis; VON RECKLINGHAUSEN DISEASE. Identifiers: Orphanet 636, MedGen C0027831, MONDO:0018975, OMIM 162200. Disease mechanism: loss of function.

Submission:

Labcorp Genetics (formerly Invitae), Labcorp
Classification: Pathogenic for Neurofibromatosis, type 1. Last evaluated: 2022-01-31. Review status: criteria provided, single submitter. Criteria: Invitae Variant Classification Sherloc (09022015). Collection method: clinical testing. Allele origin: germline.
Comment: For these reasons, this variant has been classified as Pathogenic. This variant has not been reported in the literature in individuals affected with NF1-related conditions. This variant is not present in population databases (gnomAD no frequency). This sequence change creates a premature translational stop signal (p.Leu525*) in the NF1 gene. It is expected to result in an absent or disrupted protein product. Loss-of-function variants in NF1 are known to be pathogenic (PMID: 10712197, 23913538).

Literature cited by the submitters: PubMed 10712197; PubMed 23913538.

NM_001042492.3(NF1):c.1574T>G (p.Leu525Ter)

Gene: NF1 (neurofibromin 1; plus strand). Cytogenetic location: 17q11.2.
Variant type: single nucleotide variant.
Coding change: c.1574T>G on transcript NM_001042492.3 (MANE Select); coding-DNA position 1574, T replaced by G.
Protein change: p.Leu525Ter; replaces leucine 525 with a stop codon.
Molecular consequence: nonsense.
Genome position (GRCh38, 1-based): chr17:31,219,051, T>G. VCF-style: chr17-31219051-T-G. GRCh37 (hg19) VCF-style: chr17-29546069-T-G.
Other names: c.1574T>G, p.Leu525Ter (NM_000267.4, NM_001128147.3); short protein forms L525*.
Identifiers: ClinVar variation 2088701 (VCV002088701.4), dbSNP rs2143986336, ClinGen allele CA399001913.
Genomic context (GRCh38, chr17:31,219,051, plus strand): 5'-TTTTTTCCTTGCAGAATCCAAGAAAACAGGGGCCCGAAACCCAAGGCAGTACAGCAGAAT[T>G]AATTACAGGGCTCGTCCAACTGGTCCCTCAGTCACACATGCCAGAGATTGCTCAGGAAGC-3'